The following is an entry in ClinVar:

ClinVar aggregate classification (germline): Uncertain significance (1 of 4 stars; one submission).

Conditions:
Epilepsy, familial adult myoclonic, 5 (EPEO5). Also called: CORTICAL MYOCLONIC TREMOR WITH EPILEPSY, FAMILIAL, 5. Identifiers: Orphanet 86814, MedGen C3809374, MONDO:0014167, OMIM 615400.

Allele frequency attached by ClinVar (database versions not stated): gnomAD exomes below 0.00001.
gnomAD v4.1: 1 of 1,614,134 alleles (0.000062%); highest among the groups gnomAD compares: South Asian, 0.0011%; no homozygotes.

Submission:

Labcorp Genetics (formerly Invitae), Labcorp
Classification: Uncertain significance for Epilepsy, familial adult myoclonic, 5. Last evaluated: 2022-07-11. Review status: criteria provided, single submitter. Criteria: Invitae Variant Classification Sherloc (09022015). Collection method: clinical testing. Allele origin: germline.
Comment: This sequence change replaces serine, which is neutral and polar, with asparagine, which is neutral and polar, at codon 636 of the CNTN2 protein (p.Ser636Asn). This variant is not present in population databases (gnomAD no frequency). This variant has not been reported in the literature in individuals affected with CNTN2-related conditions. Advanced modeling of protein sequence and biophysical properties (such as structural, functional, and spatial information, amino acid conservation, physicochemical variation, residue mobility, and thermodynamic stability) performed at Invitae indicates that this missense variant is not expected to disrupt CNTN2 protein function. In summary, the available evidence is currently insufficient to determine the role of this variant in disease. Therefore, it has been classified as a Variant of Uncertain Significance.

NM_005076.5(CNTN2):c.1907G>A (p.Ser636Asn)

Gene: CNTN2 (contactin 2; plus strand). Cytogenetic location: 1q32.1.
Variant type: single nucleotide variant.
Coding change: c.1907G>A on transcript NM_005076.5 (MANE Select); coding-DNA position 1907, G replaced by A.
Protein change: p.Ser636Asn; replaces serine 636 with asparagine.
Molecular consequence: missense variant. On other transcripts: non-coding transcript variant (1).
Genome position (GRCh38, 1-based): chr1:205,066,531, G>A. VCF-style: chr1-205066531-G-A. GRCh37 (hg19) VCF-style: chr1-205035659-G-A.
Other names: c.1907G>A, p.Ser636Asn (NM_001346083.2); short protein forms S636N.
Identifiers: ClinVar variation 2016074 (VCV002016074.1), dbSNP rs2526396952, ClinGen allele CA344376335.